The following is an entry in ClinVar:

ClinVar aggregate classification (germline): Uncertain significance (1 of 4 stars; one submission).

Conditions:
Hereditary cancer-predisposing syndrome. Also called: Tumor predisposition; Hereditary neoplastic syndrome; Hereditary Cancer Syndrome; Neoplastic Syndromes, Hereditary. Identifiers: Orphanet 140162, MedGen C0027672, MeSH D009386, MONDO:0015356.

Allele frequency attached by ClinVar (database versions not stated): gnomAD exomes below 0.00001.
gnomAD v4.1: 1 of 1,614,172 alleles (0.000062%); highest among the groups gnomAD compares: Non-Finnish European, 0.000085%; no homozygotes.

Submission:

Ambry Genetics
Classification: Uncertain significance for Hereditary cancer-predisposing syndrome. Last evaluated: 2024-02-01. Review status: criteria provided, single submitter. Criteria: Ambry Variant Classification Scheme 2023. Collection method: clinical testing. Allele origin: germline.
Comment: The p.K1101E variant (also known as c.3301A>G), located in coding exon 20 of the ALK gene, results from an A to G substitution at nucleotide position 3301. The lysine at codon 1101 is replaced by glutamic acid, an amino acid with similar properties. This amino acid position is highly conserved in available vertebrate species. In addition, the in silico prediction for this alteration is inconclusive. Based on the available evidence, the clinical significance of this alteration remains unclear.

NM_004304.5(ALK):c.3301A>G (p.Lys1101Glu)

Gene: ALK (ALK receptor tyrosine kinase; minus strand). Cytogenetic location: 2p23.2.
Variant type: single nucleotide variant.
Coding change: c.3301A>G on transcript NM_004304.5 (MANE Select); coding-DNA position 3301, A replaced by G.
Protein change: p.Lys1101Glu; replaces lysine 1101 with glutamic acid.
Molecular consequence: missense variant.
Genome position (GRCh38, 1-based): chr2:29,223,400, T>C on the plus strand (A>G on the coding strand, the complement: ALK is on the minus strand). VCF-style: chr2-29223400-T-C. GRCh37 (hg19) VCF-style: chr2-29446266-T-C.
Other names: c.97A>G, p.Lys33Glu (NM_001353765.2); short protein forms K1101E, K33E.
Identifiers: ClinVar variation 3223861 (VCV003223861.1), dbSNP rs2148170833, ClinGen allele CA346464826.
Genomic context (GRCh38, chr2:29,223,400, plus strand): 5'-ACCGAATGAGGGTGATGTTTTTCCGCGGCACCTCCTTCAGGTCACTGATGGAGGAGGTCT[T>C]GCCAGCAAAGCAGTAGTTGGGGTTGTAGTCGGTCATGATGGTCGAGGTGCGGAGCTTGCT-3'
Protein context (NP_004295.2, residues 1091-1111): DYNPNYCFAG[Lys1101Glu]TSSISDLKEV